The following is an entry in ClinVar:

NC_000011.9:g.(?_88045536)_(88045742_?)del

Gene: CTSC (cathepsin C; minus strand). Cytogenetic location: 11q14.2.
Variant type: Deletion.
Identifiers: ClinVar variation 3244630 (VCV003244630.1).

ClinVar aggregate classification (germline): Pathogenic (1 of 4 stars; one submission).

Conditions:
Periodontitis, aggressive. Identifiers: MedGen C0031106, MONDO:0980757.
Haim-Munk syndrome (HMS). Also called: COCHIN JEWISH DISORDER; KERATOSIS PALMOPLANTARIS WITH PERIODONTOPATHIA AND ONYCHOGRYPOSIS. Identifiers: Orphanet 2342, MedGen C1855627, MONDO:0009491, OMIM 245010.
Papillon-Lefèvre syndrome (PALS). Also called: KERATOSIS PALMOPLANTARIS WITH PERIODONTOPATHIA; Papillon-Lefevre Disease. Identifiers: Orphanet 678, MedGen C0030360, MONDO:0009490, OMIM 245000.

Submission:

Labcorp Genetics (formerly Invitae), Labcorp
Classification: Pathogenic for Haim-Munk syndrome; Periodontitis, aggressive; Papillon-Lefèvre syndrome. Last evaluated: 2023-01-16. Review status: criteria provided, single submitter. Criteria: Invitae Variant Classification Sherloc (09022015). Collection method: clinical testing. Allele origin: unknown.
Comment: This variant is a gross deletion of the genomic region encompassing exon(s) 3 of the CTSC gene. This deletion is out-of-frame, and is expected to create a premature termination codon and result in an absent or disrupted protein product. Loss-of-function variants in CTSC are known to be pathogenic (PMID: 10662808, 11106356, 11886537). This variant has not been reported in the literature in individuals affected with CTSC-related conditions. For these reasons, this variant has been classified as Pathogenic.

Literature cited by the submitters: PubMed 10662808; PubMed 11106356; PubMed 11886537.